The following is an entry in ClinVar:

NM_001621.5(AHR):c.535A>C (p.Asn179His)

Gene: AHR (aryl hydrocarbon receptor; plus strand). Cytogenetic location: 7p21.1.
Variant type: single nucleotide variant.
Coding change: c.535A>C on transcript NM_001621.5 (MANE Select); coding-DNA position 535, A replaced by C.
Protein change: p.Asn179His; replaces asparagine 179 with histidine.
Molecular consequence: missense variant.
Genome position (GRCh38, 1-based): chr7:17,330,036, A>C. VCF-style: chr7-17330036-A-C. GRCh37 (hg19) VCF-style: chr7-17369660-A-C.
Other names: c.535A>C (NM_001621.4); short protein forms N179H.
Identifiers: ClinVar variation 1053968 (VCV001053968.8), dbSNP rs368615071, ClinGen allele CA4171862.

ClinVar aggregate classification (germline): Uncertain significance. Review status: criteria provided, multiple submitters, no conflicts (2 of 4 stars). 2 submissions from 2 submitters: Uncertain significance (2). Last evaluated 2024-05-29.

Allele frequency attached by ClinVar (database versions not stated): gnomAD exomes 0.00001 and 0.00003; ExAC 0.00003; gnomAD 0.00010 and 0.00011; TOPMed 0.00012; ESP Exome Variant Server 0.00015.
gnomAD v4.1: 33 of 1,611,238 alleles (0.002%); highest among the groups gnomAD compares: African/African-American, 0.04%; no homozygotes.

Submissions (2):

Labcorp Genetics (formerly Invitae), Labcorp
Classification: Uncertain significance. Last evaluated: 2024-05-29. Review status: criteria provided, single submitter. Criteria: Invitae Variant Classification Sherloc (09022015). Collection method: clinical testing. Allele origin: germline.
Comment: This sequence change replaces asparagine, which is neutral and polar, with histidine, which is basic and polar, at codon 179 of the AHR protein (p.Asn179His). This variant is present in population databases (rs368615071, gnomAD 0.03%). This variant has not been reported in the literature in individuals affected with AHR-related conditions. ClinVar contains an entry for this variant (Variation ID: 1053968). An algorithm developed to predict the effect of missense changes on protein structure and function (PolyPhen-2) suggests that this variant is likely to be disruptive. In summary, the available evidence is currently insufficient to determine the role of this variant in disease. Therefore, it has been classified as a Variant of Uncertain Significance.

Ambry Genetics
Classification: Uncertain significance. Last evaluated: 2023-05-04. Review status: criteria provided, single submitter. Criteria: Ambry Variant Classification Scheme 2023. Collection method: clinical testing. Allele origin: germline.